The following is an entry in ClinVar:

ClinVar aggregate classification (germline): Benign (0 of 4 stars; one submission).

Submission:

RettBASE
Classification: Benign. Last evaluated: 2014-05-09. Review status: no assertion criteria provided. Collection method: curation. Allele origin: unknown. Observed: 1 variant allele.
Comment: Polymorphic [AT] repeats in intron 4

Literature cited by the submitters: PubMed 16015284.

NM_003159.2(CDKL5):c.145+4_145+5AT[15]

Gene: CDKL5 (cyclin dependent kinase like 5; plus strand). Cytogenetic location: Xp22.13.
Variant type: Microsatellite.
Coding change: c.145+4_145+5AT[15] on transcript NM_003159.2.
Other names: c.145+4AT[15] (NM_003159.2).
Identifiers: ClinVar variation 189530 (VCV000189530.2).